The following is an entry in ClinVar:

NM_133433.4(NIPBL):c.6528A>G (p.Leu2176=)

Gene: NIPBL (NIPBL cohesin loading factor; plus strand). Cytogenetic location: 5p13.2.
Variant type: single nucleotide variant.
Coding change: c.6528A>G on transcript NM_133433.4 (MANE Select); coding-DNA position 6528, A replaced by G.
Protein change: p.Leu2176=; no amino-acid change (leucine 2176 retained).
Molecular consequence: synonymous variant.
Genome position (GRCh38, 1-based): chr5:37,046,138, A>G. VCF-style: chr5-37046138-A-G. GRCh37 (hg19) VCF-style: chr5-37046240-A-G.
Other names: c.6528A>G, p.Leu2176= (NM_015384.5).
Identifiers: ClinVar variation 3036009 (VCV003036009.4), dbSNP rs1193127395, ClinGen allele CA443907039.
Genomic context (GRCh38, chr5:37,046,138, plus strand): 5'-TGAACACTTTAATGTGTTTTCCTCCCCTTAGGTTAACATAAAAGATAAAGTACTTGAACT[A>G]TTGATGTATTTTACAAAACACTCAGATGAAGAAGTACAAACAAAAGCTATCATTGGTCTA-3'
Protein context (NP_597677.2, residues 2166-2186): KVNIKDKVLE[Leu2176=]LMYFTKHSDE

ClinVar aggregate classification (germline): Likely benign. Review status: criteria provided, single submitter (1 of 4 stars). 2 submissions from 2 submitters: Likely benign (1). 1 of the submissions does not count toward it. Last evaluated 2024-05-02.

Conditions:
Cornelia de Lange syndrome 1 (CDLS1). Also called: Brachmann de Lange syndrome; NIPBL-Related Cornelia de Lange Syndrome; TYPUS DEGENERATIVUS AMSTELODAMENSIS. Identifiers: Orphanet 199, MedGen C4551851, MONDO:0007387, OMIM 122470.
NIPBL-related disorder. Also called: NIPBL-related condition.

Allele frequency attached by ClinVar (database versions not stated): gnomAD exomes below 0.00001; TOPMed 0.00001; gnomAD 0.00002.
gnomAD v4.1: 9 of 1,564,818 alleles (0.00058%); highest among the groups gnomAD compares: Admixed American, 0.0017%; no homozygotes.

Submissions (2):

Labcorp Genetics (formerly Invitae), Labcorp
Classification: Likely benign for Cornelia de Lange syndrome 1. Last evaluated: 2024-05-02. Review status: criteria provided, single submitter. Criteria: Invitae Variant Classification Sherloc (09022015). Collection method: clinical testing. Allele origin: germline.

PreventionGenetics, part of Exact Sciences
Classification: Likely benign for NIPBL-related condition. Last evaluated: 2020-06-30. Review status: no assertion criteria provided. Collection method: clinical testing. Allele origin: germline. Not counted in ClinVar's aggregate classification.
Comment: This variant is classified as likely benign based on ACMG/AMP sequence variant interpretation guidelines (Richards et al. 2015 PMID: 25741868, with internal and published modifications).